The following is an entry in ClinVar:

NM_203446.3(SYNJ1):c.*227_*244dup

Gene: SYNJ1 (synaptojanin 1; minus strand). Cytogenetic location: 21q22.11.
Variant type: Duplication.
Coding change: c.*227_*244dup on transcript NM_203446.3 (MANE Select); 227 bases downstream of the stop codon through 244 bases downstream of the stop codon, 18 bases duplicated (CAGCTCGGAGTCAATCCC).
Molecular consequence: 3 prime UTR variant. On other transcripts: inframe insertion (1), inframe indel (1).
Genome position (GRCh38, 1-based): chr21:32,631,561-32,631,578, GGGATTGACTCCGAGCTG duplicated on the plus strand (CAGCTCGGAGTCAATCCC on the coding strand, the reverse complement: SYNJ1 is on the minus strand); duplicating any 18 consecutive bases within chr21:32,631,561-32,631,579 gives the same sequence; the c. name uses the placement nearest the transcript's 3' end. VCF-style (leftmost placement, unchanged base first): chr21-32631560-T-TGGGATTGACTCCGAGCTG. GRCh37 (hg19) VCF-style: chr21-34003870-T-TGGGATTGACTCCGAGCTG.
Other names: c.*226_*243dup (NM_001160302.2); c.3998_4015dup, p.Ser1338_Gln1339insProAlaArgSerGlnSer (NM_001160306.2); c.4255_4272dup, p.Ser1424_Gln1425insProAlaArgSerGlnSer (NM_003895.4).
Identifiers: ClinVar variation 1013690 (VCV001013690.9), dbSNP rs1332100317, ClinGen allele CA638052137.

ClinVar aggregate classification (germline): Uncertain significance (1 of 4 stars; one submission).

Conditions:
Early-onset Parkinson disease 20. Also called: PARKINSON DISEASE 20, AUTOSOMAL RECESSIVE EARLY-ONSET. Identifiers: Orphanet 391411, MedGen C3809824, MONDO:0014233, OMIM 615530.
Developmental and epileptic encephalopathy, 53. Also called: Epileptic encephalopathy, early infantile, 53. Identifiers: MedGen C4479313, MONDO:0033362, OMIM 617389.

Submission:

Labcorp Genetics (formerly Invitae), Labcorp
Classification: Uncertain significance for Developmental and epileptic encephalopathy, 53; Early-onset Parkinson disease 20. Last evaluated: 2020-07-15. Review status: criteria provided, single submitter. Criteria: Invitae Variant Classification Sherloc (09022015). Collection method: clinical testing. Allele origin: germline.
Comment: This variant, c.4256_4273dup, results in the insertion of 6 amino acid(s) to the SYNJ1 protein (p.Pro1419_Ser1424dup), but otherwise preserves the integrity of the reading frame. This variant is not present in population databases (ExAC no frequency). This variant has not been reported in the literature in individuals with SYNJ1-related conditions. Experimental studies and prediction algorithms are not available or were not evaluated, and the functional significance of this variant is currently unknown. In summary, the available evidence is currently insufficient to determine the role of this variant in disease. Therefore, it has been classified as a Variant of Uncertain Significance.